The following is an entry in ClinVar:

NM_006005.3(WFS1):c.1561C>G (p.Leu521Val)

Gene: WFS1 (wolframin ER transmembrane glycoprotein; plus strand). Cytogenetic location: 4p16.1.
Variant type: single nucleotide variant.
Coding change: c.1561C>G on transcript NM_006005.3 (MANE Select); coding-DNA position 1561, C replaced by G.
Protein change: p.Leu521Val; replaces leucine 521 with valine.
Molecular consequence: missense variant.
Genome position (GRCh38, 1-based): chr4:6,301,356, C>G. VCF-style: chr4-6301356-C-G. GRCh37 (hg19) VCF-style: chr4-6303083-C-G.
Other names: c.1561C>G, p.Leu521Val (NM_001145853.1); short protein forms L521V.
Identifiers: ClinVar variation 2740076 (VCV002740076.3), dbSNP rs759524518, ClinGen allele CA2839405.

ClinVar aggregate classification (germline): Uncertain significance (1 of 4 stars; one submission).

Allele frequency attached by ClinVar (database versions not stated): gnomAD 0.00001; ExAC 0.00002; gnomAD exomes 0.00001; TOPMed 0.00001.
gnomAD v4.1: 13 of 1,612,388 alleles (0.00081%); highest among the groups gnomAD compares: Admixed American, 0.0017%; no homozygotes.

Submission:

Labcorp Genetics (formerly Invitae), Labcorp
Classification: Uncertain significance. Last evaluated: 2025-11-21. Review status: criteria provided, single submitter. Criteria: Invitae Variant Classification Sherloc (09022015). Collection method: clinical testing. Allele origin: germline.
Comment: This sequence change replaces leucine, which is neutral and non-polar, with valine, which is neutral and non-polar, at codon 521 of the WFS1 protein (p.Leu521Val). This variant is present in population databases (rs759524518, gnomAD 0.003%). This variant has not been reported in the literature in individuals affected with WFS1-related conditions. ClinVar contains an entry for this variant (Variation ID: 2740076). Invitae Evidence Modeling of protein sequence and biophysical properties (such as structural, functional, and spatial information, amino acid conservation, physicochemical variation, residue mobility, and thermodynamic stability) indicates that this missense variant is not expected to disrupt WFS1 protein function with a negative predictive value of 95%. Algorithms developed to predict the effect of sequence changes on RNA splicing suggest that this variant may create or strengthen a splice site. In summary, the available evidence is currently insufficient to determine the role of this variant in disease. Therefore, it has been classified as a Variant of Uncertain Significance.